The following is an entry in ClinVar:

NM_030662.4(MAP2K2):c.603C>T (p.Leu201=)

Gene: MAP2K2 (mitogen-activated protein kinase kinase 2; minus strand). Cytogenetic location: 19p13.3.
Variant type: single nucleotide variant.
Coding change: c.603C>T on transcript NM_030662.4 (MANE Select); coding-DNA position 603, C replaced by T.
Protein change: p.Leu201=; no amino-acid change (leucine 201 retained).
Molecular consequence: synonymous variant.
Genome position (GRCh38, 1-based): chr19:4,101,121, G>A on the plus strand (C>T on the coding strand, the complement: MAP2K2 is on the minus strand). VCF-style: chr19-4101121-G-A. GRCh37 (hg19) VCF-style: chr19-4101119-G-A.
Other names: p.L201L; NM_030662.3(MAP2K2):c.603C>T.
Identifiers: ClinVar variation 40811 (VCV000040811.47), dbSNP rs148291450, ClinGen allele CA137956.
Genomic context (GRCh38, chr19:4,101,121, plus strand): 5'-GTCGATGAGCTGGCCGCTCACCCCGAAGTCACACAGCTTGATCTCCCCTCTAGAGTTCAC[G>A]AGGATGTTGGAGGGCTTCACATCTGGAGGCGGCAGGCTGCGGGTGAGGGGCGCCCAACAG-3'
Protein context (NP_109587.1, residues 191-211): MHRDVKPSNI[Leu201=]VNSRGEIKLC

ClinVar aggregate classification (germline): Benign. Review status: reviewed by expert panel (3 of 4 stars). 10 submissions from 10 submitters: Benign (1). 9 of the submissions do not count toward it. Last evaluated 2017-05-09.

Conditions:
MAP2K2-related disorder. Also called: MAP2K2-related condition.
Cardiovascular phenotype. Identifiers: MedGen CN230736.
Noonan syndrome and Noonan-related syndrome. Identifiers: Orphanet 98733, MedGen C5681679, MONDO:0020297.
RASopathy. Also called: rasopathies; Noonan spectrum disorder. Identifiers: Orphanet 536391, MedGen C5555857, MONDO:0021060.

Allele frequency attached by ClinVar (database versions not stated): gnomAD exomes 0.00011 and 0.00019; 1000 Genomes Project 30x 0.00031; ESP Exome Variant Server 0.00031; ExAC 0.00038; 1000 Genomes Project 0.00040; TOPMed 0.00057; gnomAD 0.00068 and 0.00072.
gnomAD v4.1: 266 of 1,608,086 alleles (0.017%); highest among the groups gnomAD compares: African/African-American, 0.22%; no homozygotes.

Submissions (10):

ClinGen RASopathy Variant Curation Expert Panel
Classification: Benign for Noonan syndrome and Noonan-related syndrome. Last evaluated: 2017-05-09. Review status: reviewed by expert panel. Criteria: ClinGen RASopathy ACMG Specifications v1. Collection method: curation. Allele origin: germline. Inheritance: Autosomal dominant inheritance.
Comment: The filtering allele frequency of the c.603C>T (p.Leu201=) variant in the MAP2K2 gene is 0.191% (18/6102) of African chromosomes by the Exome Aggregation Consortium, which is a high enough frequency to be classified as benign based on thresholds defined by the ClinGen RASopathy Expert Panel (BA1; PMID:29493581)

Labcorp Genetics (formerly Invitae), Labcorp
Classification: Benign for RASopathy. Last evaluated: 2026-01-18. Review status: criteria provided, single submitter. Criteria: Invitae Variant Classification Sherloc (09022015). Collection method: clinical testing. Allele origin: germline. Not counted in ClinVar's aggregate classification.

Blueprint Genetics
Classification: Likely benign. Last evaluated: 2024-09-12. Review status: criteria provided, single submitter. Criteria: ACMG Guidelines, 2015. Collection method: clinical testing. Allele origin: germline. Not counted in ClinVar's aggregate classification.

Ambry Genetics
Classification: Likely benign for Cardiovascular phenotype. Last evaluated: 2024-03-14. Review status: criteria provided, single submitter. Criteria: Ambry Variant Classification Scheme 2023. Collection method: clinical testing. Allele origin: germline. Not counted in ClinVar's aggregate classification.

CeGaT Center for Human Genetics Tuebingen
Classification: Likely benign. Last evaluated: 2023-12-01. Review status: criteria provided, single submitter. Criteria: CeGaT Center For Human Genetics Tuebingen Variant Classification Criteria Version 2. Collection method: clinical testing. Allele origin: germline. Affected: yes. Observed: 1 variant allele. Not counted in ClinVar's aggregate classification.
Comment: MAP2K2: BS1

Genome Diagnostics Laboratory, The Hospital for Sick Children
Classification: Likely benign for Noonan syndrome and Noonan-related syndrome. Last evaluated: 2019-02-01. Review status: criteria provided, single submitter. Criteria: ACMG Guidelines, 2015. Collection method: clinical testing. Allele origin: germline. Not counted in ClinVar's aggregate classification.

Women's Health and Genetics/Laboratory Corporation of America, LabCorp
Classification: Benign. Last evaluated: 2018-06-04. Review status: criteria provided, single submitter. Criteria: LabCorp Variant Classification Summary - May 2015. Collection method: clinical testing. Allele origin: germline. Not counted in ClinVar's aggregate classification.
Comment: Variant summary: MAP2K2 c.603C>T alters a non-conserved nucleotide resulting in a synonymous change. 5/5 computational tools predict no significant impact on normal splicing. However, these predictions have yet to be confirmed by functional studies. The variant was observed with an allele frequency of 0.00028 in 265334 control chromosomes (gnomAD). The observed variant frequency within African control individuals in the gnomAD database is approximately 920-folds higher than the estimated maximal expected allele frequency for a pathogenic variant in MAP2K2 causing Noonan Syndrome and Related Conditions phenotype (2.5e-06), strongly suggesting that the variant is a benign polymorphism found primarily in populations of African origin. To our knowledge, no occurrence of c.603C>T in individuals affected with Noonan Syndrome and Related Conditions and no experimental evidence demonstrating its impact on protein function have been reported. Two ClinVar submissions from clinical diagnostic laboratories (evaluation after 2014) cite the variant as benign. Based on the evidence outlined above, the variant was classified as benign.

GeneDx
Classification: Benign. Last evaluated: 2015-03-03. Review status: criteria provided, single submitter. Criteria: GeneDx Variant Classification Process June 2021. Collection method: clinical testing. Allele origin: germline. Affected: yes. Not counted in ClinVar's aggregate classification.

Laboratory for Molecular Medicine, Mass General Brigham Personalized Medicine
Classification: Likely benign. Last evaluated: 2009-01-05. Review status: criteria provided, single submitter. Criteria: LMM Criteria. Collection method: clinical testing. Allele origin: germline. Observed: 3 variant alleles. Not counted in ClinVar's aggregate classification.

PreventionGenetics, part of Exact Sciences
Classification: Benign for MAP2K2-related condition. Last evaluated: 2019-06-19. Review status: no assertion criteria provided. Collection method: clinical testing. Allele origin: germline. Not counted in ClinVar's aggregate classification.
Comment: This variant is classified as benign based on ACMG/AMP sequence variant interpretation guidelines (Richards et al. 2015 PMID: 25741868, with internal and published modifications).

Literature cited by the submitters: PubMed 18456719 (cited by Laboratory for Molecular Medicine, Mass General Brigham Personalized Medicine).